The following is an entry in ClinVar:

ClinVar aggregate classification (germline): Uncertain significance (1 of 4 stars; one submission).

Conditions:
Hereditary cancer-predisposing syndrome. Also called: Hereditary neoplastic syndrome; Neoplastic Syndromes, Hereditary; Tumor predisposition; Hereditary Cancer Syndrome. Identifiers: Orphanet 140162, MedGen C0027672, MeSH D009386, MONDO:0015356.

Submission:

Ambry Genetics
Classification: Uncertain significance for Hereditary cancer-predisposing syndrome. Last evaluated: 2025-01-15. Review status: criteria provided, single submitter. Criteria: Ambry Variant Classification Scheme 2023. Collection method: clinical testing. Allele origin: germline.
Comment: The p.Q494H variant (also known as c.1482A>C), located in coding exon 10 of the CTNNA1 gene, results from an A to C substitution at nucleotide position 1482. The glutamine at codon 494 is replaced by histidine, an amino acid with highly similar properties. This amino acid position is conserved. In addition, the in silico prediction for this alteration is inconclusive. Based on the available evidence, the clinical significance of this variant remains unclear.

NM_001903.5(CTNNA1):c.1482A>C (p.Gln494His)

Gene: CTNNA1 (catenin alpha 1; plus strand). Cytogenetic location: 5q31.2.
Variant type: single nucleotide variant.
Coding change: c.1482A>C on transcript NM_001903.5 (MANE Select); coding-DNA position 1482, A replaced by C.
Protein change: p.Gln494His; replaces glutamine 494 with histidine.
Molecular consequence: missense variant.
Genome position (GRCh38, 1-based): chr5:138,917,834, A>C. VCF-style: chr5-138917834-A-C. GRCh37 (hg19) VCF-style: chr5-138253523-A-C.
Other names: c.1482A>C, p.Gln494His (NM_001290307.3, NM_001323982.2, NM_001323983.1 and 2 more transcripts); c.1173A>C, p.Gln391His (NM_001290309.3); c.1113A>C, p.Gln371His (NM_001290310.3); c.372A>C, p.Gln124His (NM_001290312.1, NM_001323987.1, NM_001323988.1 and 17 more transcripts); c.1389A>C, p.Gln463His (NM_001323986.2); c.33A>C, p.Gln11His (NM_001324006.1, NM_001324007.1, NM_001324008.1 and 2 more transcripts); c.279A>C, p.Gln93His (NM_001324011.1); c.129A>C, p.Gln43His (NM_001324012.1, NM_001324013.1); short protein forms Q494H, Q124H, Q11H, Q371H, Q463H, Q93H, Q391H, Q43H.
Identifiers: ClinVar variation 3837171 (VCV003837171.1).